The following is an entry in ClinVar:

ClinVar aggregate classification (germline): Uncertain significance (1 of 4 stars; one submission).

Conditions:
Inborn genetic diseases. Identifiers: MedGen C0950123, MeSH D030342.

Submission:

Ambry Genetics
Classification: Uncertain significance for Inborn genetic diseases. Last evaluated: 2025-01-24. Review status: criteria provided, single submitter. Criteria: Ambry Variant Classification Scheme 2023. Collection method: clinical testing. Allele origin: germline.
Comment: The p.S270G variant (also known as c.808A>G), located in coding exon 7 of the BUB1B gene, results from an A to G substitution at nucleotide position 808. The serine at codon 270 is replaced by glycine, an amino acid with similar properties. This amino acid position is conserved. In addition, this alteration is predicted to be tolerated by in silico analysis. Based on the available evidence, the clinical significance of this variant remains unclear.

NM_001211.6(BUB1B):c.808A>G (p.Ser270Gly)

Gene: BUB1B (BUB1 mitotic checkpoint serine/threonine kinase B; plus strand). Cytogenetic location: 15q15.1.
Variant type: single nucleotide variant.
Coding change: c.808A>G on transcript NM_001211.6 (MANE Select); coding-DNA position 808, A replaced by G.
Protein change: p.Ser270Gly; replaces serine 270 with glycine.
Molecular consequence: missense variant.
Genome position (GRCh38, 1-based): chr15:40,185,221, A>G. VCF-style: chr15-40185221-A-G. GRCh37 (hg19) VCF-style: chr15-40477422-A-G.
Other names: short protein forms S270G.
Identifiers: ClinVar variation 3826108 (VCV003826108.1).